The following is an entry in ClinVar:

ClinVar aggregate classification (germline): Uncertain significance. Review status: criteria provided, multiple submitters, no conflicts (2 of 4 stars). 4 submissions from 4 submitters: Uncertain significance (4). Last evaluated 2026-08-27.

Conditions:
Hereditary nonpolyposis colorectal neoplasms. Identifiers: MedGen C0009405, MeSH D003123.
Hereditary cancer-predisposing syndrome. Also called: Neoplastic Syndromes, Hereditary; Hereditary neoplastic syndrome; Hereditary Cancer Syndrome; Tumor predisposition. Identifiers: Orphanet 140162, MedGen C0027672, MeSH D009386, MONDO:0015356.
Endometrial carcinoma. Also called: Endometrial carcinoma, somatic. Identifiers: MedGen C0476089, MONDO:0002447, OMIM 608089, HP:0012114.

Submissions (4):

Ambry Genetics
Classification: Uncertain significance for Hereditary cancer-predisposing syndrome. Last evaluated: 2026-08-27. Review status: criteria provided, single submitter. Criteria: Ambry Variant Classification Scheme 2023. Collection method: clinical testing. Allele origin: germline.
Comment: The p.D1213E variant (also known as c.3639T>A), located in coding exon 7 of the MSH6 gene, results from a T to A substitution at nucleotide position 3639. The aspartic acid at codon 1213 is replaced by glutamic acid, an amino acid with highly similar properties. This variant was reported in individuals with colorectal cancer, but whose family history did not meet Amsterdam criteria and/or whose immunohistochemistry status was unclear (Liccardo R et al. Int J Mol Sci, 2017 May;18; Ambry internal data). In an in vitro complementation assay testing mismatch repair activity, this variant was reported to be functionally deficient however, additional evidence is needed to confirm this finding (Drost M et al. Genet Med, 2020 May;22:847-856). This amino acid position is highly conserved in available vertebrate species. In addition, this alteration is predicted to be deleterious by in silico analysis. Based on the available evidence, the clinical significance of this variant remains unclear.

Labcorp Genetics (formerly Invitae), Labcorp
Classification: Uncertain significance for Hereditary nonpolyposis colorectal neoplasms. Last evaluated: 2025-12-16. Review status: criteria provided, single submitter. Criteria: Invitae Variant Classification Sherloc (09022015). Collection method: clinical testing. Allele origin: germline.
Comment: This sequence change replaces aspartic acid, which is acidic and polar, with glutamic acid, which is acidic and polar, at codon 1213 of the MSH6 protein (p.Asp1213Glu). This variant is not present in population databases (gnomAD no frequency). This variant has not been reported in the literature in individuals affected with MSH6-related conditions. ClinVar contains an entry for this variant (Variation ID: 428427). Invitae Evidence Modeling of protein sequence and biophysical properties (such as structural, functional, and spatial information, amino acid conservation, physicochemical variation, residue mobility, and thermodynamic stability) indicates that this missense variant is expected to disrupt MSH6 protein function with a positive predictive value of 95%. Experimental studies have shown that this missense change affects MSH6 function (PMID: 31965077). In summary, the available evidence is currently insufficient to determine the role of this variant in disease. Therefore, it has been classified as a Variant of Uncertain Significance.

GeneDx
Classification: Uncertain significance. Last evaluated: 2024-10-25. Review status: criteria provided, single submitter. Criteria: GeneDx Variant Classification Process June 2021. Collection method: clinical testing. Allele origin: germline. Affected: yes.
Comment: Not observed at significant frequency in large population cohorts (gnomAD); In silico analysis supports that this missense variant has a deleterious effect on protein structure/function; Observed in a colorectal cancer patient (PMID: 28481244); Published functional studies demonstrate reduced mismatch repair (MMR) activity (PMID: 31965077); This variant is associated with the following publications: (PMID: 12019211, 17531815, 21120944, 28481244, 31965077)

Baylor Genetics
Classification: Uncertain significance for Endometrial carcinoma. Last evaluated: 2023-12-11. Review status: criteria provided, single submitter. Criteria: ACMG Guidelines, 2015. Collection method: clinical testing. Allele origin: unknown.

Literature cited by the submitters: PubMed 28481244 (cited by Ambry Genetics); PubMed 31965077 (cited by Ambry Genetics and Labcorp Genetics (formerly Invitae), Labcorp).

NM_000179.3(MSH6):c.3639T>A (p.Asp1213Glu)

Gene: MSH6 (mutS homolog 6; plus strand). Cytogenetic location: 2p16.3.
Variant type: single nucleotide variant.
Coding change: c.3639T>A on transcript NM_000179.3 (MANE Select); coding-DNA position 3639, T replaced by A.
Protein change: p.Asp1213Glu; replaces aspartic acid 1213 with glutamic acid.
Molecular consequence: missense variant.
Genome position (GRCh38, 1-based): chr2:47,805,700, T>A. VCF-style: chr2-47805700-T-A. GRCh37 (hg19) VCF-style: chr2-48032839-T-A.
Other names: c.3249T>A, p.Asp1083Glu (NM_001281492.2); c.2733T>A, p.Asp911Glu (NM_001281493.2, NM_001281494.2); short protein forms D1213E, D1083E, D911E.
Identifiers: ClinVar variation 428427 (VCV000428427.18), dbSNP rs1114167788, ClinGen allele CA346760619.